The following is an entry in ClinVar:

NM_015102.5(NPHP4):c.493C>T (p.Pro165Ser)

Gene: NPHP4 (nephrocystin 4; minus strand). Cytogenetic location: 1p36.31.
Variant type: single nucleotide variant.
Coding change: c.493C>T on transcript NM_015102.5 (MANE Select); coding-DNA position 493, C replaced by T.
Protein change: p.Pro165Ser; replaces proline 165 with serine.
Molecular consequence: missense variant. On other transcripts: 5 prime UTR variant (2), non-coding transcript variant (1).
Genome position (GRCh38, 1-based): chr1:5,967,323, G>A on the plus strand (C>T on the coding strand, the complement: NPHP4 is on the minus strand). VCF-style: chr1-5967323-G-A. GRCh37 (hg19) VCF-style: chr1-6027383-G-A.
Other names: c.-737C>T (NM_001291593.2); c.-874C>T (NM_001291594.2); short protein forms P165S.
Identifiers: ClinVar variation 1009612 (VCV001009612.8), dbSNP rs772978482, ClinGen allele CA17125563.

ClinVar aggregate classification (germline): Uncertain significance (1 of 4 stars; one submission).

Conditions:
Nephronophthisis. Also called: Juvenile Nephronophthisis. Identifiers: Orphanet 655, MedGen C0687120, MONDO:0019005, HP:0000090.

Allele frequency attached by ClinVar (database versions not stated): gnomAD exomes below 0.00001 and 0.00001.
gnomAD v4.1: 9 of 1,607,310 alleles (0.00056%); highest among the groups gnomAD compares: Non-Finnish European, 0.00076%; no homozygotes.

Submission:

Labcorp Genetics (formerly Invitae), Labcorp
Classification: Uncertain significance for Nephronophthisis. Last evaluated: 2021-03-23. Review status: criteria provided, single submitter. Criteria: Invitae Variant Classification Sherloc (09022015). Collection method: clinical testing. Allele origin: germline.
Comment: In summary, the available evidence is currently insufficient to determine the role of this variant in disease. Therefore, it has been classified as a Variant of Uncertain Significance. Algorithms developed to predict the effect of missense changes on protein structure and function are either unavailable or do not agree on the potential impact of this missense change (SIFT: "Deleterious"; PolyPhen-2: "Probably Damaging"; Align-GVGD: "Class C0"). This variant has not been reported in the literature in individuals with NPHP4-related conditions. This variant is not present in population databases (ExAC no frequency). This sequence change replaces proline with serine at codon 165 of the NPHP4 protein (p.Pro165Ser). The proline residue is moderately conserved and there is a moderate physicochemical difference between proline and serine.